The following is an entry in ClinVar:

ClinVar aggregate classification (germline): Uncertain significance (1 of 4 stars; one submission).

gnomAD v4.1: 2 of 1,613,998 alleles (0.00012%); highest among the groups gnomAD compares: Non-Finnish European, 0.00017%; no homozygotes.

Submission:

Labcorp Genetics (formerly Invitae), Labcorp
Classification: Uncertain significance. Last evaluated: 2024-03-18. Review status: criteria provided, single submitter. Criteria: Invitae Variant Classification Sherloc (09022015). Collection method: clinical testing. Allele origin: germline.
Comment: This sequence change replaces threonine, which is neutral and polar, with isoleucine, which is neutral and non-polar, at codon 551 of the IMPG1 protein (p.Thr551Ile). This variant is not present in population databases (gnomAD no frequency). This variant has not been reported in the literature in individuals affected with IMPG1-related conditions. An algorithm developed to predict the effect of missense changes on protein structure and function (PolyPhen-2) suggests that this variant is likely to be disruptive. In summary, the available evidence is currently insufficient to determine the role of this variant in disease. Therefore, it has been classified as a Variant of Uncertain Significance.

NM_001563.4(IMPG1):c.1652C>T (p.Thr551Ile)

Gene: IMPG1 (interphotoreceptor matrix proteoglycan 1; minus strand). Cytogenetic location: 6q14.1.
Variant type: single nucleotide variant.
Coding change: c.1652C>T on transcript NM_001563.4 (MANE Select); coding-DNA position 1652, C replaced by T.
Protein change: p.Thr551Ile; replaces threonine 551 with isoleucine.
Molecular consequence: missense variant.
Genome position (GRCh38, 1-based): chr6:75,950,734, G>A on the plus strand (C>T on the coding strand, the complement: IMPG1 is on the minus strand). VCF-style: chr6-75950734-G-A. GRCh37 (hg19) VCF-style: chr6-76660451-G-A.
Other names: c.1418C>T, p.Thr473Ile (NM_001282368.2); short protein forms T551I, T473I.
Identifiers: ClinVar variation 3698134 (VCV003698134.2).